The following is an entry in ClinVar:

ClinVar aggregate classification (germline): Uncertain significance (1 of 4 stars; one submission).

Conditions:
Autosomal dominant Parkinson disease 8. Also called: Parkinson disease 8, susceptibility to; LRRK2-Related Parkinson Disease; Parkinson disease 8. Identifiers: Orphanet 411602, MedGen C1846862, MONDO:0011764, OMIM 607060.

Submission:

Labcorp Genetics (formerly Invitae), Labcorp
Classification: Uncertain significance for Autosomal dominant Parkinson disease 8. Last evaluated: 2021-12-10. Review status: criteria provided, single submitter. Criteria: Invitae Variant Classification Sherloc (09022015). Collection method: clinical testing. Allele origin: germline.
Comment: In summary, the available evidence is currently insufficient to determine the role of this variant in disease. Therefore, it has been classified as a Variant of Uncertain Significance. This variant has not been reported in the literature in individuals affected with LRRK2-related conditions. This variant is not present in population databases (gnomAD no frequency). This sequence change creates a premature translational stop signal (p.Asn333*) in the LRRK2 gene. It is expected to result in an absent or disrupted protein product. However, the current clinical and genetic evidence is not sufficient to establish whether loss-of-function variants in LRRK2 cause disease.

NM_198578.4(LRRK2):c.996_997del (p.Lys332_Asn333insTer)

Gene: LRRK2 (leucine rich repeat kinase 2; plus strand). Cytogenetic location: 12q12.
Variant type: Deletion.
Coding change: c.996_997del on transcript NM_198578.4 (MANE Select); coding-DNA positions 996 to 997, 2 bases deleted (GA; older notation c.996_997delGA).
Protein change: p.Lys332_Asn333insTer.
Molecular consequence: frameshift variant.
Genome position (GRCh38, 1-based): chr12:40,251,269-40,251,270, GA deleted; deleting any 2 consecutive bases within chr12:40,251,268-40,251,270 gives the same sequence; the c. name uses the placement nearest the transcript's 3' end. VCF-style (leftmost placement, unchanged base first): chr12-40251267-AAG-A. GRCh37 (hg19) VCF-style: chr12-40645069-AAG-A.
Identifiers: ClinVar variation 2039466 (VCV002039466.4), dbSNP rs2499502654, ClinGen allele CA2580085419.